The following is an entry in ClinVar:

NM_000186.4(CFH):c.2407T>A (p.Cys803Ser)

Gene: CFH (complement factor H; plus strand). Cytogenetic location: 1q31.3.
Variant type: single nucleotide variant.
Coding change: c.2407T>A on transcript NM_000186.4 (MANE Select); coding-DNA position 2407, T replaced by A.
Protein change: p.Cys803Ser; replaces cysteine 803 with serine.
Molecular consequence: missense variant.
Genome position (GRCh38, 1-based): chr1:196,728,516, T>A. VCF-style: chr1-196728516-T-A. GRCh37 (hg19) VCF-style: chr1-196697646-T-A.
Other names: short protein forms C803S.
Identifiers: ClinVar variation 4976851 (VCV004976851.1).

ClinVar aggregate classification (germline): Uncertain significance (1 of 4 stars; one submission).

Conditions:
Age related macular degeneration 4. Identifiers: MedGen C1853147, MONDO:0012540, OMIM 610698.
Atypical hemolytic-uremic syndrome. Identifiers: Orphanet 2134, MedGen C2931788, MONDO:0016244.
Basal laminar drusen. Also called: DRUSEN OF BRUCH MEMBRANE; DRUSEN, CUTICULAR; DRUSEN, EARLY ADULT-ONSET, GROUPED. Identifiers: Orphanet 75376, MedGen C0730295, MONDO:0007472, OMIM 126700.
Factor H deficiency (CFHD). Also called: COMPLEMENT FACTOR H DEFICIENCY; CFH DEFICIENCY. Identifiers: Orphanet 200421, MedGen C0398777, MONDO:0012350, OMIM 609814.

Submission:

Genomenon, Inc
Classification: Uncertain significance for Age related macular degeneration 4; Atypical hemolytic-uremic syndrome; Factor H deficiency; Basal laminar drusen. Last evaluated: 2026-09-17. Review status: criteria provided, single submitter. Criteria: Genomenon Sequence Variant Interpretation Standards - Updated. Collection method: curation. Allele origin: germline. Affected: no.
Comment: CFH p.Cys803Ser (c.2407T>A) is a missense variant that changes the amino acid at codon 803 from cysteine to serine. This variant has been reported in the published literature (PMID: 40943525). It is absent or not present at a significant frequency in gnomAD. In conclusion, we classify CFH p.Cys803Ser (c.2407T>A) as a variant of uncertain significance.

Literature cited by the submitters: PubMed 40943525.